The following is an entry in ClinVar:

ClinVar aggregate classification (germline): Benign. Review status: criteria provided, multiple submitters, no conflicts (2 of 4 stars). 5 submissions from 3 submitters: Benign (5). Last evaluated 2021-07-01.

Conditions:
Usher syndrome type 1 (USH1). Also called: RETINITIS PIGMENTOSA AND CONGENITAL DEAFNESS. Identifiers: Orphanet 231169, Orphanet 886, MedGen C1568247, MONDO:0010168, OMIM 276900.
Autosomal dominant nonsyndromic hearing loss 11. Identifiers: Orphanet 90635, MedGen C1832475, MONDO:0011032, OMIM 601317.
Autosomal recessive nonsyndromic hearing loss 2. Also called: DEAFNESS, AUTOSOMAL RECESSIVE 2; NEUROSENSORY NONSYNDROMIC RECESSIVE DEAFNESS 2. Identifiers: Orphanet 90636, MedGen C1838701, MONDO:0010807, OMIM 600060.

Allele frequency attached by ClinVar (database versions not stated): 1000 Genomes Project 0.57608; 1000 Genomes Project 30x 0.58385; TOPMed 0.62269.
gnomAD v4.1: 667,380 of 1,241,718 alleles (54%); highest among the groups gnomAD compares: African/African-American, 80%; 184,161 homozygotes.

Submissions (5):

Genome-Nilou Lab
Classification: Benign for Autosomal dominant nonsyndromic hearing loss 11. Last evaluated: 2021-07-01. Review status: criteria provided, single submitter. Criteria: ACMG Guidelines, 2015. Collection method: clinical testing. Allele origin: germline. Affected: no.

Genome-Nilou Lab
Classification: Benign for Autosomal recessive nonsyndromic hearing loss 2. Last evaluated: 2021-07-01. Review status: criteria provided, single submitter. Criteria: ACMG Guidelines, 2015. Collection method: clinical testing. Allele origin: germline. Affected: no.

Genome-Nilou Lab
Classification: Benign for Usher syndrome type 1. Last evaluated: 2021-07-01. Review status: criteria provided, single submitter. Criteria: ACMG Guidelines, 2015. Collection method: clinical testing. Allele origin: germline. Affected: no.

GeneDx
Classification: Benign. Last evaluated: 2018-06-14. Review status: criteria provided, single submitter. Criteria: GeneDx Variant Classification (06012015). Collection method: clinical testing. Allele origin: germline. Affected: yes.
Comment: This variant is considered likely benign or benign based on one or more of the following criteria: it is a conservative change, it occurs at a poorly conserved position in the protein, it is predicted to be benign by multiple in silico algorithms, and/or has population frequency not consistent with disease.

Breakthrough Genomics
Classification: Benign. Review status: criteria provided, single submitter. Criteria: ACMG Guidelines, 2015. Collection method: not provided. Allele origin: germline. Inheritance: Autosomal recessive inheritance. Affected: yes.

NM_000260.4(MYO7A):c.3924+109G>A

Gene: MYO7A (myosin VIIA; plus strand). Cytogenetic location: 11q13.5.
Variant type: single nucleotide variant.
Coding change: c.3924+109G>A on transcript NM_000260.4 (MANE Select); 109 bases into the intron after coding-DNA position 3924, G replaced by A.
Molecular consequence: intron variant.
Genome position (GRCh38, 1-based): chr11:77,190,979, G>A. VCF-style: chr11-77190979-G-A. GRCh37 (hg19) VCF-style: chr11-76902024-G-A.
Other names: c.3891+109G>A (NM_001369365.1); c.3924+109G>A (NM_001127180.2).
Identifiers: ClinVar variation 670361 (VCV000670361.5), dbSNP rs4944148, ClinGen allele CA13464833.